The following is an entry in ClinVar:

NM_000081.4(LYST):c.171G>T (p.Lys57Asn)

Gene: LYST (lysosomal trafficking regulator; minus strand). Cytogenetic location: 1q42.3.
Variant type: single nucleotide variant.
Coding change: c.171G>T on transcript NM_000081.4 (MANE Select); coding-DNA position 171, G replaced by T.
Protein change: p.Lys57Asn; replaces lysine 57 with asparagine.
Molecular consequence: missense variant. On other transcripts: non-coding transcript variant (1).
Genome position (GRCh38, 1-based): chr1:235,830,247, C>A on the plus strand (G>T on the coding strand, the complement: LYST is on the minus strand). VCF-style: chr1-235830247-C-A. GRCh37 (hg19) VCF-style: chr1-235993547-C-A.
Other names: c.171G>T, p.Lys57Asn (NM_001301365.1); short protein forms K57N.
Identifiers: ClinVar variation 2108525 (VCV002108525.3), dbSNP rs761573707, ClinGen allele CA344968494.

ClinVar aggregate classification (germline): Uncertain significance (1 of 4 stars; one submission).

Conditions:
Chédiak-Higashi syndrome (CHS). Also called: Chediak-Higashi Syndrome. Identifiers: Orphanet 167, MedGen C0007965, MONDO:0008963, OMIM 214500.

Submission:

Labcorp Genetics (formerly Invitae), Labcorp
Classification: Uncertain significance for Chédiak-Higashi syndrome. Last evaluated: 2022-03-10. Review status: criteria provided, single submitter. Criteria: Invitae Variant Classification Sherloc (09022015). Collection method: clinical testing. Allele origin: germline.
Comment: Algorithms developed to predict the effect of missense changes on protein structure and function (SIFT, PolyPhen-2, Align-GVGD) all suggest that this variant is likely to be tolerated. In summary, the available evidence is currently insufficient to determine the role of this variant in disease. Therefore, it has been classified as a Variant of Uncertain Significance. This variant has not been reported in the literature in individuals affected with LYST-related conditions. This sequence change replaces lysine, which is basic and polar, with asparagine, which is neutral and polar, at codon 57 of the LYST protein (p.Lys57Asn). This variant is not present in population databases (gnomAD no frequency).